The following is an entry in ClinVar:

ClinVar aggregate classification (germline): Uncertain significance. Review status: criteria provided, multiple submitters, no conflicts (2 of 4 stars). 2 submissions from 2 submitters: Uncertain significance (2). Last evaluated 2024-04-26.

Conditions:
Long QT syndrome (LQTS). Identifiers: MedGen C0023976, MeSH D008133, MONDO:0002442. Disease mechanism: loss of function. Inheritance: Various modes of inheritance.
Long QT syndrome 11 (LQT11). Identifiers: Orphanet 101016, Orphanet 768, MedGen C2678483, MONDO:0012738, OMIM 611820.

Allele frequency attached by ClinVar (database versions not stated): gnomAD exomes below 0.00001; ExAC 0.00001.
gnomAD v4.1: 6 of 1,591,920 alleles (0.00038%); highest among the groups gnomAD compares: Non-Finnish European, 0.00051%; no homozygotes.

Submissions (2):

Labcorp Genetics (formerly Invitae), Labcorp
Classification: Uncertain significance for Long QT syndrome. Last evaluated: 2024-04-26. Review status: criteria provided, single submitter. Criteria: Invitae Variant Classification Sherloc (09022015). Collection method: clinical testing. Allele origin: germline.
Comment: This sequence change replaces lysine, which is basic and polar, with glutamic acid, which is acidic and polar, at codon 762 of the AKAP9 protein (p.Lys762Glu). The frequency data for this variant in the population databases is considered unreliable, as metrics indicate poor data quality at this position in the gnomAD database. This variant has not been reported in the literature in individuals affected with AKAP9-related conditions. ClinVar contains an entry for this variant (Variation ID: 488172). An algorithm developed to predict the effect of missense changes on protein structure and function (PolyPhen-2) suggests that this variant is likely to be disruptive. In summary, the available evidence is currently insufficient to determine the role of this variant in disease. Therefore, it has been classified as a Variant of Uncertain Significance.

Phosphorus, Inc.
Classification: Uncertain significance for Long QT syndrome 11. Last evaluated: 2017-08-01. Review status: criteria provided, single submitter. Criteria: ACMG Guidelines, 2015. Collection method: clinical testing. Allele origin: germline. Observed: 1 variant allele.

NM_005751.5(AKAP9):c.2284A>G (p.Lys762Glu)

Gene: AKAP9 (A-kinase anchoring protein 9; plus strand). Cytogenetic location: 7q21.2.
Variant type: single nucleotide variant.
Coding change: c.2284A>G on transcript NM_005751.5 (MANE Select); coding-DNA position 2284, A replaced by G.
Protein change: p.Lys762Glu; replaces lysine 762 with glutamic acid.
Molecular consequence: missense variant.
Genome position (GRCh38, 1-based): chr7:92,002,201, A>G. VCF-style: chr7-92002201-A-G. GRCh37 (hg19) VCF-style: chr7-91631515-A-G.
Other names: c.2284A>G, p.Lys762Glu (NM_147185.3); short protein forms K762E.
Identifiers: ClinVar variation 488172 (VCV000488172.11), dbSNP rs776287498, ClinGen allele CA4336109.